The following is an entry in ClinVar:

NC_000002.11:g.(?_179505958)_(179515008_?)dup

Gene: TTN (titin; minus strand). Cytogenetic location: 2q31.2.
Variant type: Duplication.
Identifiers: ClinVar variation 649619 (VCV000649619.1).

ClinVar aggregate classification (germline): Uncertain significance (1 of 4 stars; one submission).

Conditions:
Dilated cardiomyopathy 1G (CMD1G). Identifiers: Orphanet 154, MedGen C1858763, MONDO:0011400, OMIM 604145.
Autosomal recessive limb-girdle muscular dystrophy type 2J (LGMDR10). Also called: Limb-girdle muscular dystrophy, type 2J; MUSCULAR DYSTROPHY, LIMB-GIRDLE, AUTOSOMAL RECESSIVE 10. Identifiers: Orphanet 140922, MedGen C1837342, MONDO:0012127, OMIM 608807.

Submission:

Labcorp Genetics (formerly Invitae), Labcorp
Classification: Uncertain significance for Dilated cardiomyopathy 1G; Limb-girdle muscular dystrophy, type 2J. Last evaluated: 2018-09-26. Review status: criteria provided, single submitter. Criteria: Invitae Variant Classification Sherloc (09022015). Collection method: clinical testing. Allele origin: germline.
Comment: This variant results in a copy number gain of the genomic region encompassing exons 210-220 of the TTN gene. While the exact position of this variant cannot be determined from this data, sub-genic copy number gains are generally in tandem (PMID: 25640679). This variant would be expected to be in-frame, preserving the integrity of the reading frame. This variant has not been reported in the literature in individuals with TTN-related disease. Experimental studies and prediction algorithms are not available for this variant, and the functional significance of the affected amino acid(s) is currently unknown. In summary, the available evidence is currently insufficient to determine the role of this variant in disease. Therefore, it has been classified as a Variant of Uncertain Significance.